The following is an entry in ClinVar:

ClinVar aggregate classification (germline): Conflicting classifications of pathogenicity. Review status: criteria provided, conflicting classifications (1 of 4 stars). 5 submissions from 5 submitters: Uncertain significance (1); Benign (2); Likely benign (1). 1 of the submissions does not count toward it. Last evaluated 2026-01-26.

Conditions:
DTNA-related disorder. Also called: DTNA-related condition.
Left ventricular noncompaction 1 (LVNC1). Also called: LEFT VENTRICULAR NONCOMPACTION 1 WITH OR WITHOUT CONGENITAL HEART DEFECTS. Identifiers: Orphanet 54260, MedGen C1858725, MONDO:0011403, OMIM 604169.

Allele frequency attached by ClinVar (database versions not stated): gnomAD exomes 0.00054; gnomAD 0.00007 and 0.00008; TOPMed 0.00023; ExAC 0.00044; 1000 Genomes Project 30x 0.00016; 1000 Genomes Project 0.00020.
gnomAD v4.1: 154 of 1,614,060 alleles (0.0095%); highest among the groups gnomAD compares: Admixed American, 0.25%; 1 homozygote.

Submissions (5):

Labcorp Genetics (formerly Invitae), Labcorp
Classification: Benign for Left ventricular noncompaction 1. Last evaluated: 2026-01-26. Review status: criteria provided, single submitter. Criteria: Invitae Variant Classification Sherloc (09022015). Collection method: clinical testing. Allele origin: germline.

Ambry Genetics
Classification: Uncertain significance. Last evaluated: 2025-11-19. Review status: criteria provided, single submitter. Criteria: Ambry Variant Classification Scheme 2023. Collection method: clinical testing. Allele origin: germline.

Women's Health and Genetics/Laboratory Corporation of America, LabCorp
Classification: Benign. Last evaluated: 2020-08-10. Review status: criteria provided, single submitter. Criteria: LabCorp Variant Classification Summary - May 2015. Collection method: clinical testing. Allele origin: germline.
Comment: Variant summary: DTNA c.1373G>C (p.Ser458Thr) results in a conservative amino acid change in the encoded protein sequence. Five of five in-silico tools predict a benign effect of the variant on protein function. The variant allele was found at a frequency of 0.00054 in 251168 control chromosomes, predominantly at a frequency of 0.0039 within the Latino subpopulation in the gnomAD database, including 1 homozygote. The observed variant frequency within Latino control individuals in the gnomAD database is approximately 1248-fold of the estimated maximal expected allele frequency for a pathogenic variant in DTNA causing Left Ventricular Noncompaction phenotype (3.1e-06), strongly suggesting that the variant is a benign polymorphism found primarily in populations of Latino origin. To our knowledge, no occurrence of c.1373G>C in individuals affected with Left Ventricular Noncompaction and no experimental evidence demonstrating its impact on protein function have been reported. Two ClinVar submitters (evaluation after 2014) cite the variant as benign/likely benign. Based on the evidence outlined above, the variant was classified as benign.

GeneDx
Classification: Likely benign. Last evaluated: 2020-08-05. Review status: criteria provided, single submitter. Criteria: GeneDx Variant Classification Process June 2021. Collection method: clinical testing. Allele origin: germline. Affected: yes.

PreventionGenetics, part of Exact Sciences
Classification: Likely benign for DTNA-related condition. Last evaluated: 2019-06-14. Review status: no assertion criteria provided. Collection method: clinical testing. Allele origin: germline. Not counted in ClinVar's aggregate classification.
Comment: This variant is classified as likely benign based on ACMG/AMP sequence variant interpretation guidelines (Richards et al. 2015 PMID: 25741868, with internal and published modifications).

NM_001386795.1(DTNA):c.1454G>C (p.Ser485Thr)

Gene: DTNA (dystrobrevin alpha; plus strand). Cytogenetic location: 18q12.1.
Variant type: single nucleotide variant.
Coding change: c.1454G>C on transcript NM_001386795.1 (MANE Select); coding-DNA position 1454, G replaced by C.
Protein change: p.Ser485Thr; replaces serine 485 with threonine.
Molecular consequence: missense variant.
Genome position (GRCh38, 1-based): chr18:34,851,850, G>C. VCF-style: chr18-34851850-G-C. GRCh37 (hg19) VCF-style: chr18-32431814-G-C.
Other names: p.S455T:AGT>ACT; c.329G>C, p.Ser110Thr (NM_001198944.1); c.623G>C, p.Ser208Thr (NM_001198945.2); c.1193G>C, p.Ser398Thr (NM_001386753.1, NM_001386771.1, NM_001386772.1 and 9 more transcripts); c.1283G>C, p.Ser428Thr (NM_001386754.1, NM_001386755.1, NM_001386756.1 and 4 more transcripts); c.1190G>C, p.Ser397Thr (NM_001386773.1, NM_001386774.1, NM_001386768.1 and 1 more transcripts); c.1454G>C, p.Ser485Thr (NM_001386788.1); c.1373G>C, p.Ser458Thr (NM_001390.5, NM_001391.5); and 8 more; short protein forms S401T, S455T, S458T, S80T, S110T, S398T, S106T, S208T.
Identifiers: ClinVar variation 201762 (VCV000201762.15), dbSNP rs190619495, ClinGen allele CA335117.
Genomic context (GRCh38, chr18:34,851,850, plus strand): 5'-ACATTCTCAATATGAAATCTTATAAACTACATATTTTACAGCAGCCACCTCAGCAGAGAA[G>C]TGCTCCTGACATCTCTTTCACCATCGATGCGAATAAGCAGCAAAGGCAGCTGATTGCTGA-3'
Protein context (NP_001373724.1, residues 475-495): SSSSQPPQQR[Ser485Thr]APDISFTIDA